The following is an entry in ClinVar:

ClinVar aggregate classification (germline): Uncertain significance (1 of 4 stars; one submission).

Conditions:
Dyskeratosis congenita, autosomal recessive 5 (DKCB5). Identifiers: MedGen C3554656, MONDO:0014076, OMIM 615190.
Pulmonary fibrosis and/or bone marrow failure, Telomere-related, 3. Also called: PULMONARY FIBROSIS AND/OR BONE MARROW FAILURE SYNDROME, TELOMERE-RELATED, 3. Identifiers: Orphanet 2032, MedGen C4225346, MONDO:0014613, OMIM 616373.

Submission:

Labcorp Genetics (formerly Invitae), Labcorp
Classification: Uncertain significance for Dyskeratosis congenita, autosomal recessive 5; Pulmonary fibrosis and/or bone marrow failure, Telomere-related, 3. Last evaluated: 2021-06-18. Review status: criteria provided, single submitter. Criteria: Invitae Variant Classification Sherloc (09022015). Collection method: clinical testing. Allele origin: germline.
Comment: The frequency data for this variant in the population databases is not available, as this variant may be reported as separate entries in the ExAC database. This sequence change replaces glycine with arginine at codon 849 of the RTEL1 protein (p.Gly849Arg). The glycine residue is weakly conserved and there is a moderate physicochemical difference between glycine and arginine. This variant has not been reported in the literature in individuals with RTEL1-related conditions. In summary, the available evidence is currently insufficient to determine the role of this variant in disease. Therefore, it has been classified as a Variant of Uncertain Significance. Experimental studies and prediction algorithms are not available or were not evaluated, and the functional significance of this variant is currently unknown.

NM_001283009.2(RTEL1):c.2544_2545delinsCC (p.Gly849Arg)

Genes: RTEL1-TNFRSF6B (RTEL1-TNFRSF6B readthrough (NMD candidate); plus strand), RTEL1 (regulator of telomere elongation helicase 1; plus strand). Cytogenetic location: 20q13.33.
Variant type: Indel.
Coding change: c.2544_2545delinsCC on transcript NM_001283009.2 (MANE Select); coding-DNA positions 2544 to 2545, TG replaced by CC.
Protein change: p.Gly849Arg; replaces glycine 849 with arginine.
Molecular consequence: missense variant. On other transcripts: non-coding transcript variant (1).
Genome position (GRCh38, 1-based): chr20:63,690,935-63,690,936, TG replaced by CC. VCF-style: chr20-63690935-TG-CC. GRCh37 (hg19) VCF-style: chr20-62322288-TG-CC.
Other names: c.1875_1876delinsCC, p.Gly626Arg (NM_001283010.1); c.2544_2545delinsCC, p.Gly849Arg (NM_016434.4); c.2616_2617delinsCC, p.Gly873Arg (NM_032957.5); short protein forms G849R, G626R, G873R.
Identifiers: ClinVar variation 1354663 (VCV001354663.6), dbSNP rs2145434898, ClinGen allele CA2573157238.